The following is an entry in ClinVar:

ClinVar aggregate classification (germline): Likely benign (0 of 4 stars; one submission).

Conditions:
CRIM1-related disorder. Also called: CRIM1-related condition.

Allele frequency attached by ClinVar (database versions not stated): gnomAD exomes 0.00015; ExAC 0.00054; gnomAD 0.00188; 1000 Genomes Project 30x 0.00250; TOPMed 0.00190; ESP Exome Variant Server 0.00208; 1000 Genomes Project 0.00240.
gnomAD v4.1: 511 of 1,614,196 alleles (0.032%); highest among the groups gnomAD compares: African/African-American, 0.62%; 1 homozygote.

Submissions (2):

PreventionGenetics, part of Exact Sciences
Classification: Likely benign for CRIM1-related condition. Last evaluated: 2019-06-03. Review status: no assertion criteria provided. Collection method: clinical testing. Allele origin: germline.
Comment: This variant is classified as likely benign based on ACMG/AMP sequence variant interpretation guidelines (Richards et al. 2015 PMID: 25741868, with internal and published modifications).

Dr. Peter K. Rogan Lab, Western University
No classification provided (evidence only). Condition: Thyroid cancer, nonmedullary, 1. Review status: no classification provided. Collection method: in vitro. Allele origin: not applicable. Functional consequence: retained intron. Not counted in ClinVar's aggregate classification.

NM_016441.3(CRIM1):c.1587C>G (p.Ile529Met)

Gene: CRIM1 (cysteine rich transmembrane BMP regulator 1). Cytogenetic location: 2p22.2.
Variant type: single nucleotide variant.
Coding change: c.1587C>G on transcript NM_016441.3 (MANE Select); coding-DNA position 1587, C replaced by G.
Protein change: p.Ile529Met; replaces isoleucine 529 with methionine.
Molecular consequence: missense variant.
Genome position (GRCh38, 1-based): chr2:36,510,068, C>G. VCF-style: chr2-36510068-C-G. GRCh37 (hg19) VCF-style: chr2-36737211-C-G.
Other names: NC_000002.11:g.36737211C>G; short protein forms I529M.
Identifiers: ClinVar variation 3044656 (VCV003044656.3), dbSNP rs79366315, ClinGen allele CA1610258.
Genomic context (GRCh38, chr2:36,510,068, plus strand): 5'-ACAAGGCTGCACCTTGAACTGTCCCTTCGGTTTCCTTACTGATGCCCAAAACTGTGAGAT[C>G]TGTGAGTGCCGCCCAAGGCCCAAGAAGTGCAGACCCATAATCTGTGACAAGTATTGTCCA-3'
Protein context (NP_057525.1, residues 519-539): GFLTDAQNCE[Ile529Met]CECRPRPKKC